The following is an entry in ClinVar:

ClinVar aggregate classification (germline): Uncertain significance (1 of 4 stars; one submission).

Conditions:
Catecholaminergic polymorphic ventricular tachycardia (CVPT). Also called: Catecholamine-induced polymorphic ventricular tachycardia. Identifiers: Orphanet 3286, MedGen C5574922, MONDO:0017990.

Submission:

All of Us Research Program, National Institutes of Health
Classification: Uncertain significance for Catecholaminergic polymorphic ventricular tachycardia. Last evaluated: 2023-04-27. Review status: criteria provided, single submitter. Criteria: ACMG Guidelines, 2015. Collection method: clinical testing. Allele origin: germline. Inheritance: Autosomal dominant inheritance. Observed: 1 variant allele, 1 heterozygote.
Comment: This study involves interpretation of variants in research participants for the purpose of population health screening. Participant phenotype was not available at the time of variant classification. Additional details can be found in publication PMID: 35346344, PMCID: PMC8962531

NM_001035.3(RYR2):c.7763T>C (p.Leu2588Ser)

Gene: RYR2 (ryanodine receptor 2; plus strand). Cytogenetic location: 1q43.
Variant type: single nucleotide variant.
Coding change: c.7763T>C on transcript NM_001035.3 (MANE Select); coding-DNA position 7763, T replaced by C.
Protein change: p.Leu2588Ser; replaces leucine 2588 with serine.
Molecular consequence: missense variant.
Genome position (GRCh38, 1-based): chr1:237,651,440, T>C. VCF-style: chr1-237651440-T-C. GRCh37 (hg19) VCF-style: chr1-237814740-T-C.
Other names: short protein forms L2588S.
Identifiers: ClinVar variation 3070489 (VCV003070489.1), dbSNP rs2148804017, ClinGen allele CA345399588.